The following is an entry in ClinVar:

ClinVar aggregate classification (germline): Likely benign (0 of 4 stars; one submission).

Conditions:
PLXNA4-related disorder. Also called: PLXNA4-related condition.

Allele frequency attached by ClinVar (database versions not stated): gnomAD exomes 0.00001.
gnomAD v4.1: 9 of 1,614,060 alleles (0.00056%); highest among the groups gnomAD compares: Non-Finnish European, 0.00076%; no homozygotes.

Submission:

PreventionGenetics, part of Exact Sciences
Classification: Likely benign for PLXNA4-related condition. Last evaluated: 2024-01-22. Review status: no assertion criteria provided. Collection method: clinical testing. Allele origin: germline.
Comment: This variant is classified as likely benign based on ACMG/AMP sequence variant interpretation guidelines (Richards et al. 2015 PMID: 25741868, with internal and published modifications).

NM_020911.2(PLXNA4):c.2370C>T (p.Asn790=)

Gene: PLXNA4 (plexin A4; minus strand). Cytogenetic location: 7q32.3.
Variant type: single nucleotide variant.
Coding change: c.2370C>T on transcript NM_020911.2 (MANE Select); coding-DNA position 2370, C replaced by T.
Protein change: p.Asn790=; no amino-acid change (asparagine 790 retained).
Molecular consequence: synonymous variant.
Genome position (GRCh38, 1-based): chr7:132,203,348, G>A on the plus strand (C>T on the coding strand, the complement: PLXNA4 is on the minus strand). VCF-style: chr7-132203348-G-A. GRCh37 (hg19) VCF-style: chr7-131888107-G-A.
Other names: c.2370C>T, p.Asn790= (NM_001393897.1).
Identifiers: ClinVar variation 3030679 (VCV003030679.2), dbSNP rs2485630442, ClinGen allele CA457678658.
Genomic context (GRCh38, chr7:132,203,348, plus strand): 5'-CCTCCCTCCCCTGCTAGGCCCCAGCCCTTCCACACCTTTATTCTGAGCTGGGTTGTCAAT[G>A]TTGAAGTGCCCATTCCACACGACTGTCAACTCCACGGGCAGGTTGTTGATCTCCATCCCT-3'
Protein context (NP_065962.1, residues 780-800): ELTVVWNGHF[Asn790=]IDNPAQNKVH